The following is an entry in ClinVar:

NM_025074.7(FRAS1):c.5916G>A (p.Ser1972=)

Gene: FRAS1 (Fraser extracellular matrix complex subunit 1; plus strand). Cytogenetic location: 4q21.21.
Variant type: single nucleotide variant.
Coding change: c.5916G>A on transcript NM_025074.7 (MANE Select); coding-DNA position 5916, G replaced by A.
Protein change: p.Ser1972=; no amino-acid change (serine 1972 retained).
Molecular consequence: synonymous variant.
Genome position (GRCh38, 1-based): chr4:78,446,786, G>A. VCF-style: chr4-78446786-G-A. GRCh37 (hg19) VCF-style: chr4-79367940-G-A.
Other names: c.5916G>A (NM_025074.6).
Identifiers: ClinVar variation 1963611 (VCV001963611.7), dbSNP rs910717543, ClinGen allele CA99971726.
Genomic context (GRCh38, chr4:78,446,786, plus strand): 5'-GAGGAAGAACGATGAGCCTCCCAGGATGACCTTGCAGCCCCTCAGAGTGCAGCTGAGCTC[G>A]GGAGTGGTGATAAGCAATTCTTCTTTGAGCCTGCAAGACCTGGACACCCCAGATAATGAG-3'
Protein context (NP_079350.5, residues 1962-1982): TLQPLRVQLS[Ser1972=]GVVISNSSLS

ClinVar aggregate classification (germline): Likely benign. Review status: criteria provided, single submitter (1 of 4 stars). 2 submissions from 2 submitters: Likely benign (1). 1 of the submissions does not count toward it. Last evaluated 2025-06-12.

Conditions:
FRAS1-related disorder. Also called: FRAS1-related condition.

Allele frequency attached by ClinVar (database versions not stated): gnomAD exomes 0.00001; gnomAD 0.00008; TOPMed 0.00011.
gnomAD v4.1: 26 of 1,613,450 alleles (0.0016%); highest among the groups gnomAD compares: African/African-American, 0.02%; no homozygotes.

Submissions (2):

Labcorp Genetics (formerly Invitae), Labcorp
Classification: Likely benign. Last evaluated: 2025-06-12. Review status: criteria provided, single submitter. Criteria: Invitae Variant Classification Sherloc (09022015). Collection method: clinical testing. Allele origin: germline.

PreventionGenetics, part of Exact Sciences
Classification: Likely benign for FRAS1-related condition. Last evaluated: 2019-02-18. Review status: no assertion criteria provided. Collection method: clinical testing. Allele origin: germline. Not counted in ClinVar's aggregate classification.
Comment: This variant is classified as likely benign based on ACMG/AMP sequence variant interpretation guidelines (Richards et al. 2015 PMID: 25741868, with internal and published modifications).